The following is an entry in ClinVar:

NM_000540.3(RYR1):c.5584A>T (p.Ile1862Phe)

Gene: RYR1 (ryanodine receptor 1; plus strand). Cytogenetic location: 19q13.2.
Variant type: single nucleotide variant.
Coding change: c.5584A>T on transcript NM_000540.3 (MANE Select); coding-DNA position 5584, A replaced by T.
Protein change: p.Ile1862Phe; replaces isoleucine 1862 with phenylalanine.
Molecular consequence: missense variant.
Genome position (GRCh38, 1-based): chr19:38,489,213, A>T. VCF-style: chr19-38489213-A-T. GRCh37 (hg19) VCF-style: chr19-38979853-A-T.
Other names: c.5584A>T, p.Ile1862Phe (NM_001042723.2); short protein forms I1862F.
Identifiers: ClinVar variation 3387748 (VCV003387748.1).

ClinVar aggregate classification (germline): Uncertain significance (1 of 4 stars; one submission).

Conditions:
Malignant hyperthermia, susceptibility to, 1 (MHS1). Also called: Anesthesia related hyperthermia; Malignant hyperpyrexia; Fulminating hyperpyrexia; Pharmacogenic myopathy; RYR1-Related Malignant Hyperthermia Susceptibility; Malignant hyperthermia suceptibility 1. Identifiers: Orphanet 423, MedGen C2930980, MONDO:0007783, OMIM 145600.

Submission:

All of Us Research Program, National Institutes of Health
Classification: Uncertain significance for Malignant hyperthermia, susceptibility to, 1. Last evaluated: 2024-05-14. Review status: criteria provided, single submitter. Criteria: ACMG Guidelines, 2015. Collection method: clinical testing. Allele origin: germline. Inheritance: Autosomal dominant inheritance. Observed: 1 variant allele, 1 heterozygote.
Comment: This missense variant replaces isoleucine with phenylalanine at codon 1862 of the RYR1 protein. Computational prediction suggests that this variant may not impact protein structure and function (internally defined REVEL score threshold <= 0.5, PMID: 27666373). To our knowledge, functional studies have not been reported for this variant. This variant has not been reported in individuals affected with RYR1-related disorders in the literature. This variant has not been identified in the general population by the Genome Aggregation Database (gnomAD). The available evidence is insufficient to determine the role of this variant in disease conclusively. Therefore, this variant is classified as a Variant of Uncertain Significance.

This study involves interpretation of variants in research participants for the purpose of population health screening. Participant phenotype was not available at the time of variant classification. Additional details can be found in publication PMID: 35346344, PMCID: PMC8962531